The following is an entry in ClinVar:

NM_000257.4(MYH7):c.2651A>G (p.Lys884Arg)

Genes: MYH7 (myosin heavy chain 7; minus strand), LOC126861898 (BRD4-independent group 4 enhancer GRCh37_chr14:23893609-23894808; plus strand). Cytogenetic location: 14q11.2.
Variant type: single nucleotide variant.
Coding change: c.2651A>G on transcript NM_000257.4 (MANE Select); coding-DNA position 2651, A replaced by G.
Protein change: p.Lys884Arg; replaces lysine 884 with arginine.
Molecular consequence: missense variant.
Genome position (GRCh38, 1-based): chr14:23,424,797, T>C on the plus strand (A>G on the coding strand, the complement: MYH7 is on the minus strand). VCF-style: chr14-23424797-T-C. GRCh37 (hg19) VCF-style: chr14-23894006-T-C.
Other names: short protein forms K884R.
Identifiers: ClinVar variation 1376869 (VCV001376869.8), dbSNP rs2138665409, ClinGen allele CA389047886.

ClinVar aggregate classification (germline): Uncertain significance (1 of 4 stars; one submission).

Conditions:
Hypertrophic cardiomyopathy. Also called: HYPERTROPHIC MYOCARDIOPATHY. Identifiers: Orphanet 217569, MedGen C0007194, MeSH D002312, MONDO:0005045, HP:0001639.

Submission:

Labcorp Genetics (formerly Invitae), Labcorp
Classification: Uncertain significance for Hypertrophic cardiomyopathy. Last evaluated: 2021-03-07. Review status: criteria provided, single submitter. Criteria: Invitae Variant Classification Sherloc (09022015). Collection method: clinical testing. Allele origin: germline.
Comment: This sequence change replaces lysine with arginine at codon 884 of the MYH7 protein (p.Lys884Arg). The lysine residue is highly conserved and there is a small physicochemical difference between lysine and arginine. This variant is not present in population databases (ExAC no frequency). This variant has not been reported in the literature in individuals with MYH7-related conditions. Algorithms developed to predict the effect of missense changes on protein structure and function (SIFT, PolyPhen-2, Align-GVGD) all suggest that this variant is likely to be disruptive, but these predictions have not been confirmed by published functional studies and their clinical significance is uncertain. This variant is found within a region of MYH7 between codons 181 and 937 that contains the majority of the myosin head domain. Missense variants in this region have been shown to be significantly overrepresented in individuals with hypertrophic cardiomyopathy (PMID: 27532257). In summary, the available evidence is currently insufficient to determine the role of this variant in disease. Therefore, it has been classified as a Variant of Uncertain Significance.

Literature cited by the submitters: PubMed 27532257.